The following is an entry in ClinVar:

NM_002291.3(LAMB1):c.4640T>C (p.Ile1547Thr)

Gene: LAMB1 (laminin subunit beta 1; minus strand). Cytogenetic location: 7q31.1.
Variant type: single nucleotide variant.
Coding change: c.4640T>C on transcript NM_002291.3 (MANE Select); coding-DNA position 4640, T replaced by C.
Protein change: p.Ile1547Thr; replaces isoleucine 1547 with threonine.
Molecular consequence: missense variant.
Genome position (GRCh38, 1-based): chr7:107,929,517, A>G on the plus strand (T>C on the coding strand, the complement: LAMB1 is on the minus strand). VCF-style: chr7-107929517-A-G. GRCh37 (hg19) VCF-style: chr7-107569962-A-G.
Other names: short protein forms I1547T.
Identifiers: ClinVar variation 380845 (VCV000380845.11), dbSNP rs35915664, ClinGen allele CA4434981.
Genomic context (GRCh38, chr7:107,929,517, plus strand): 5'-TCAGCAGCACTATGCTGAAGAATAACCTCTACTTGAGAAAGGCTTTCAACTCGTTCACGT[A>G]TATCTTCTGTCAAGTTCTGTAACTGCTGTGGGGTGCTAGGCATCTCCATTTTCAATACTT-3'
Protein context (NP_002282.2, residues 1537-1557): PQQLQNLTED[Ile1547Thr]RERVESLSQV

ClinVar aggregate classification (germline): Benign. Review status: criteria provided, multiple submitters, no conflicts (2 of 4 stars). 3 submissions from 3 submitters: Benign (3). Last evaluated 2026-01-30.

Allele frequency attached by ClinVar (database versions not stated): TOPMed 0.01201; gnomAD 0.01305 and 0.01386; ESP Exome Variant Server 0.01469; 1000 Genomes Project 30x 0.01577; 1000 Genomes Project 0.01597.
gnomAD v4.1: 33,352 of 1,614,042 alleles (2.1%); highest among the groups gnomAD compares: South Asian, 4.4%; 451 homozygotes.

Submissions (3):

Labcorp Genetics (formerly Invitae), Labcorp
Classification: Benign. Last evaluated: 2026-01-30. Review status: criteria provided, single submitter. Criteria: Invitae Variant Classification Sherloc (09022015). Collection method: clinical testing. Allele origin: germline.

GeneDx
Classification: Benign. Last evaluated: 2016-05-05. Review status: criteria provided, single submitter. Criteria: GeneDx Variant Classification (06012015). Collection method: clinical testing. Allele origin: germline. Affected: yes.
Comment: This variant is considered likely benign or benign based on one or more of the following criteria: it is a conservative change, it occurs at a poorly conserved position in the protein, it is predicted to be benign by multiple in silico algorithms, and/or has population frequency not consistent with disease.

Breakthrough Genomics
Classification: Benign. Review status: criteria provided, single submitter. Criteria: ACMG Guidelines, 2015. Collection method: not provided. Allele origin: germline. Inheritance: Autosomal recessive inheritance. Affected: yes.